The following is an entry in ClinVar:

NM_001036.6(RYR3):c.9020A>T (p.His3007Leu)

Gene: RYR3 (ryanodine receptor 3; plus strand). Cytogenetic location: 15q14.
Variant type: single nucleotide variant.
Coding change: c.9020A>T on transcript NM_001036.6 (MANE Select); coding-DNA position 9020, A replaced by T.
Protein change: p.His3007Leu; replaces histidine 3007 with leucine.
Molecular consequence: missense variant.
Genome position (GRCh38, 1-based): chr15:33,772,123, A>T. VCF-style: chr15-33772123-A-T. GRCh37 (hg19) VCF-style: chr15-34064324-A-T.
Other names: c.9020A>T, p.His3007Leu (NM_001243996.4); short protein forms H3007L.
Identifiers: ClinVar variation 1345108 (VCV001345108.8), dbSNP rs2073620794, ClinGen allele CA391588782.
Genomic context (GRCh38, chr15:33,772,123, plus strand): 5'-CTCAGAATATTAACTACACTACAGTGGCTCTGCTCCCCATCCTGACGTCCATCTTTGAGC[A>T]CGTCACTCAGCATCAGTTTGGAATGGATCTACTCTGTGAGTTCTACTGGTATTTGTCGTG-3'
Protein context (NP_001027.3, residues 2997-3017): LLPILTSIFE[His3007Leu]VTQHQFGMDL

ClinVar aggregate classification (germline): Uncertain significance (1 of 4 stars; one submission).

Conditions:
Epileptic encephalopathy. Identifiers: MedGen C0543888, HP:0200134.

Allele frequency attached by ClinVar (database versions not stated): gnomAD 0.00001.
gnomAD v4.1: 2 of 1,613,278 alleles (0.00012%); highest among the groups gnomAD compares: African/African-American, 0.0027%; no homozygotes.

Submission:

Labcorp Genetics (formerly Invitae), Labcorp
Classification: Uncertain significance for Epileptic encephalopathy. Last evaluated: 2021-03-05. Review status: criteria provided, single submitter. Criteria: Invitae Variant Classification Sherloc (09022015). Collection method: clinical testing. Allele origin: germline.
Comment: This sequence change replaces histidine with leucine at codon 3007 of the RYR3 protein (p.His3007Leu). The histidine residue is highly conserved and there is a moderate physicochemical difference between histidine and leucine. This variant is not present in population databases (ExAC no frequency). This variant has not been reported in the literature in individuals with RYR3-related conditions. Algorithms developed to predict the effect of missense changes on protein structure and function are either unavailable or do not agree on the potential impact of this missense change (SIFT: "Deleterious"; PolyPhen-2: "Probably Damaging"; Align-GVGD: "Class C0"). In summary, the available evidence is currently insufficient to determine the role of this variant in disease. Therefore, it has been classified as a Variant of Uncertain Significance.